The following is an entry in ClinVar:

ClinVar aggregate classification (germline): Pathogenic. Review status: criteria provided, multiple submitters, no conflicts (2 of 4 stars). 2 submissions from 2 submitters: Pathogenic (2). Last evaluated 2017-01-07.

Conditions:
Hereditary breast ovarian cancer syndrome. Also called: Breast and ovarian cancer; Hereditary breast and ovarian cancer; Hereditary breast and ovarian cancer syndrome; Hereditary breast and/or ovarian cancer syndrome; BRCA1- and BRCA2-Associated Hereditary Breast and Ovarian Cancer; Hereditary breast and ovarian cancer syndrome (HBOC). Identifiers: Orphanet 145, MedGen C0677776, MeSH D061325, MONDO:0003582. Disease mechanism: loss of function.
Breast-ovarian cancer, familial, susceptibility to, 1 (BROVCA1). Also called: BRCA1 Hereditary Breast and Ovarian Cancer; OVARIAN CANCER, SUSCEPTIBILITY TO. Identifiers: Orphanet 145, MedGen C2676676, MONDO:0011450, OMIM 604370. Disease mechanism: loss of function.

Submissions (2):

Labcorp Genetics (formerly Invitae), Labcorp
Classification: Pathogenic for Hereditary breast ovarian cancer syndrome. Last evaluated: 2017-01-07. Review status: criteria provided, single submitter. Criteria: Invitae Variant Classification Sherloc (09022015). Collection method: clinical testing. Allele origin: germline.
Comment: This variant is a gross deletion of the genomic region encompassing exon 13 of the BRCA1 gene. This creates a premature translational stop signal and is expected to result in an absent or disrupted protein product. Loss-of-function variants including gross deletions in BRCA1 are known to be pathogenic. A similar deletion of exon 13 has been reported in families with breast and/or ovarian cancer (PMID: 22006311, 16793929). This exon is also called exon 14 in the literature. For these reasons, this variant has been classified as Pathogenic.

Consortium of Investigators of Modifiers of BRCA1/2 (CIMBA), c/o University of Cambridge
Classification: Pathogenic for Breast-ovarian cancer, familial, susceptibility to, 1. Last evaluated: 2015-10-02. Review status: criteria provided, single submitter. Criteria: CIMBA Mutation Classification guidelines May 2016. Collection method: clinical testing. Allele origin: germline.

NM_007294.3(BRCA1):c.4358-?_4484+?del

Gene: BRCA1 (BRCA1 DNA repair associated; minus strand). Cytogenetic location: 17q21.31.
Variant type: Deletion.
Coding change: c.4358-?_4484+?del on transcript NM_007294.3.
Other names: c.4358-?_4484+?del (LRG_292t1).
Identifiers: ClinVar variation 216104 (VCV000216104.3).